The following is an entry in ClinVar:

ClinVar aggregate classification (germline): Conflicting classifications of pathogenicity. Review status: criteria provided, conflicting classifications (1 of 4 stars). 2 submissions from 2 submitters: Uncertain significance (1); Likely benign (1). Last evaluated 2023-09-03.

Conditions:
Hereditary cancer-predisposing syndrome. Also called: Hereditary Cancer Syndrome; Tumor predisposition; Neoplastic Syndromes, Hereditary; Hereditary neoplastic syndrome. Identifiers: Orphanet 140162, MedGen C0027672, MeSH D009386, MONDO:0015356.
Hereditary breast ovarian cancer syndrome. Also called: Hereditary breast and ovarian cancer syndrome (HBOC); Hereditary breast and/or ovarian cancer syndrome; Hereditary breast and ovarian cancer; BRCA1- and BRCA2-Associated Hereditary Breast and Ovarian Cancer; Breast and ovarian cancer; Hereditary breast and ovarian cancer syndrome. Identifiers: Orphanet 145, MedGen C0677776, MeSH D061325, MONDO:0003582. Disease mechanism: loss of function.

Allele frequency attached by ClinVar (database versions not stated): gnomAD exomes below 0.00001.
gnomAD v4.1: 1 of 1,608,402 alleles (0.000062%); highest among the groups gnomAD compares: Non-Finnish European, 0.000085%; no homozygotes.

Submissions (2):

Labcorp Genetics (formerly Invitae), Labcorp
Classification: Uncertain significance for Hereditary breast ovarian cancer syndrome. Last evaluated: 2023-09-03. Review status: criteria provided, single submitter. Criteria: Invitae Variant Classification Sherloc (09022015). Collection method: clinical testing. Allele origin: germline.
Comment: This sequence change replaces glutamic acid, which is acidic and polar, with glutamine, which is neutral and polar, at codon 2081 of the BRCA2 protein (p.Glu2081Gln). This variant is not present in population databases (gnomAD no frequency). This variant has not been reported in the literature in individuals affected with BRCA2-related conditions. ClinVar contains an entry for this variant (Variation ID: 2119237). Advanced modeling of protein sequence and biophysical properties (such as structural, functional, and spatial information, amino acid conservation, physicochemical variation, residue mobility, and thermodynamic stability) performed at Invitae indicates that this missense variant is not expected to disrupt BRCA2 protein function. In summary, the available evidence is currently insufficient to determine the role of this variant in disease. Therefore, it has been classified as a Variant of Uncertain Significance.

University of Washington Department of Laboratory Medicine, University of Washington
Classification: Likely benign for Hereditary cancer-predisposing syndrome. Last evaluated: 2023-03-23. Review status: criteria provided, single submitter. Criteria: Dines et al. (Genet Med. 2020). Collection method: curation. Allele origin: germline.
Comment: Missense variant in a coldspot region where missense variants are very unlikely to be pathogenic (PMID:31911673).

BRCA2 exon 11 coldspot. Reclassification based on statistical prior probability.

NM_000059.4(BRCA2):c.6241G>C (p.Glu2081Gln)

Gene: BRCA2 (BRCA2 DNA repair associated; plus strand). Cytogenetic location: 13q13.1.
Variant type: single nucleotide variant.
Coding change: c.6241G>C on transcript NM_000059.4 (MANE Select); coding-DNA position 6241, G replaced by C.
Protein change: p.Glu2081Gln; replaces glutamic acid 2081 with glutamine.
Molecular consequence: missense variant.
Genome position (GRCh38, 1-based): chr13:32,340,596, G>C. VCF-style: chr13-32340596-G-C. GRCh37 (hg19) VCF-style: chr13-32914733-G-C.
Other names: c.6241G>C, p.Glu2081Gln (NM_001406719.1, NM_001406720.1); short protein forms E2081Q.
Identifiers: ClinVar variation 2119237 (VCV002119237.6), dbSNP rs2137525578, ClinGen allele CA387788908.